The following is an entry in ClinVar:

NM_022835.3(PLEKHG2):c.2531G>C (p.Arg844Pro)

Gene: PLEKHG2 (pleckstrin homology and RhoGEF domain containing G2; plus strand). Cytogenetic location: 19q13.2.
Variant type: single nucleotide variant.
Coding change: c.2531G>C on transcript NM_022835.3 (MANE Select); coding-DNA position 2531, G replaced by C.
Protein change: p.Arg844Pro; replaces arginine 844 with proline.
Molecular consequence: missense variant. On other transcripts: intron variant (1).
Genome position (GRCh38, 1-based): chr19:39,423,585, G>C. VCF-style: chr19-39423585-G-C. GRCh37 (hg19) VCF-style: chr19-39914225-G-C.
Other names: c.2354G>C, p.Arg785Pro (NM_001351693.2); c.1677+1297G>C (NM_001351694.2); short protein forms R785P, R844P.
Identifiers: ClinVar variation 739144 (VCV000739144.48), dbSNP rs201914405, ClinGen allele CA9429799.

ClinVar aggregate classification (germline): Likely benign. Review status: criteria provided, multiple submitters, no conflicts (2 of 4 stars). 5 submissions from 5 submitters: Likely benign (4). 1 of the submissions does not count toward it. Last evaluated 2026-01-15.

Conditions:
PLEKHG2-related disorder. Also called: PLEKHG2-related condition.

Allele frequency attached by ClinVar (database versions not stated): gnomAD 0.00036 and 0.00044; ESP Exome Variant Server 0.00039; 1000 Genomes Project 0.00060; 1000 Genomes Project 30x 0.00062; TOPMed 0.00096; ExAC 0.00098.
gnomAD v4.1: 735 of 1,533,656 alleles (0.048%); highest among the groups gnomAD compares: Middle Eastern, 1.3%; 7 homozygotes.

Submissions (5):

Labcorp Genetics (formerly Invitae), Labcorp
Classification: Likely benign. Last evaluated: 2026-01-15. Review status: criteria provided, single submitter. Criteria: Invitae Variant Classification Sherloc (09022015). Collection method: clinical testing. Allele origin: germline.

Blueprint Genetics
Classification: Likely benign. Last evaluated: 2024-11-12. Review status: criteria provided, single submitter. Criteria: ACMG Guidelines, 2015. Collection method: clinical testing. Allele origin: germline.

CeGaT Center for Human Genetics Tuebingen
Classification: Likely benign. Last evaluated: 2023-04-01. Review status: criteria provided, single submitter. Criteria: CeGaT Center For Human Genetics Tuebingen Variant Classification Criteria Version 2. Collection method: clinical testing. Allele origin: germline. Affected: yes. Observed: 3 variant alleles.
Comment: PLEKHG2: BS2

Breakthrough Genomics
Classification: Likely benign. Review status: criteria provided, single submitter. Criteria: ACMG Guidelines, 2015. Collection method: not provided. Allele origin: germline. Inheritance: Autosomal recessive inheritance. Affected: yes.

PreventionGenetics, part of Exact Sciences
Classification: Likely benign for PLEKHG2-related condition. Last evaluated: 2022-02-09. Review status: no assertion criteria provided. Collection method: clinical testing. Allele origin: germline. Not counted in ClinVar's aggregate classification.
Comment: This variant is classified as likely benign based on ACMG/AMP sequence variant interpretation guidelines (Richards et al. 2015 PMID: 25741868, with internal and published modifications).